The following is an entry in ClinVar:

ClinVar aggregate classification (germline): Benign/Likely benign. Review status: criteria provided, multiple submitters, no conflicts (2 of 4 stars). 6 submissions from 6 submitters: Benign (3); Likely benign (3). Last evaluated 2026-05-12.

Conditions:
KBG syndrome (KBGS). Also called: ANKRD11-Related KBG Syndrome. Identifiers: Orphanet 2332, MedGen C0220687, MONDO:0007846, OMIM 148050.

Allele frequency attached by ClinVar (database versions not stated): gnomAD 0.00314 and 0.00337; ESP Exome Variant Server 0.00323; TOPMed 0.00339; 1000 Genomes Project 30x 0.00375; 1000 Genomes Project 0.00399.
gnomAD v4.1: 912 of 1,611,368 alleles (0.057%); highest among the groups gnomAD compares: African/African-American, 1.1%; 8 homozygotes.

Submissions (6):

Women's Health and Genetics/Laboratory Corporation of America, LabCorp
Classification: Benign. Last evaluated: 2026-05-12. Review status: criteria provided, single submitter. Criteria: LabCorp Variant Classification Summary - May 2015. Collection method: clinical testing. Allele origin: germline.

Labcorp Genetics (formerly Invitae), Labcorp
Classification: Benign for KBG syndrome. Last evaluated: 2026-01-21. Review status: criteria provided, single submitter. Criteria: Invitae Variant Classification Sherloc (09022015). Collection method: clinical testing. Allele origin: germline.

CeGaT Center for Human Genetics Tuebingen
Classification: Likely benign. Last evaluated: 2025-12-01. Review status: criteria provided, single submitter. Criteria: CeGaT Center For Human Genetics Tuebingen Variant Classification Criteria Version 2. Collection method: clinical testing. Allele origin: germline. Affected: yes. Observed: 3 variant alleles.
Comment: ANKRD11: BP4, BS1

Blueprint Genetics
Classification: Likely benign. Last evaluated: 2024-10-02. Review status: criteria provided, single submitter. Criteria: ACMG Guidelines, 2015. Collection method: clinical testing. Allele origin: germline.

Genome-Nilou Lab
Classification: Benign for KBG syndrome. Last evaluated: 2021-12-05. Review status: criteria provided, single submitter. Criteria: ACMG Guidelines, 2015. Collection method: clinical testing. Allele origin: germline. Affected: no.

GeneDx
Classification: Likely benign. Last evaluated: 2018-12-17. Review status: criteria provided, single submitter. Criteria: GeneDx Variant Classification Process June 2021. Collection method: clinical testing. Allele origin: germline. Affected: yes.

NM_013275.6(ANKRD11):c.601+7A>G

Gene: ANKRD11 (ankyrin repeat domain 11; minus strand). Cytogenetic location: 16q24.3.
Variant type: single nucleotide variant.
Coding change: c.601+7A>G on transcript NM_013275.6 (MANE Select); 7 bases into the intron after coding-DNA position 601, A replaced by G.
Molecular consequence: intron variant.
Genome position (GRCh38, 1-based): chr16:89,290,618, T>C on the plus strand (A>G on the coding strand, the complement: ANKRD11 is on the minus strand). VCF-style: chr16-89290618-T-C. GRCh37 (hg19) VCF-style: chr16-89357026-T-C.
Other names: c.601+7A>G (NM_001256183.2, NM_001256182.2).
Identifiers: ClinVar variation 703001 (VCV000703001.40), dbSNP rs202074713, ClinGen allele CA8243051.
Genomic context (GRCh38, chr16:89,290,618, plus strand): 5'-ACTCCACTGGGGGAGGCTCAGGGCTCCAGTGGGGCTCTCTGGCCCTTGCCAGGCACAGGG[T>C]GCCCACCTGCGAAGTCCTTGACGTTGACGTCTGCCCCCTCGCTGATGAGCTCTTTGATGC-3'